The following is an entry in ClinVar:

ClinVar aggregate classification (germline): Uncertain significance (1 of 4 stars; one submission).

Conditions:
Fanconi anemia (FA). Also called: Fanconi's anemia. Identifiers: Orphanet 84, MedGen C0015625, MeSH D005199, MONDO:0019391.

Allele frequency attached by ClinVar (database versions not stated): gnomAD exomes below 0.00001.

Submission:

Labcorp Genetics (formerly Invitae), Labcorp
Classification: Uncertain significance for Fanconi anemia. Last evaluated: 2021-05-28. Review status: criteria provided, single submitter. Criteria: Invitae Variant Classification Sherloc (09022015). Collection method: clinical testing. Allele origin: germline.
Comment: In summary, the available evidence is currently insufficient to determine the role of this variant in disease. Therefore, it has been classified as a Variant of Uncertain Significance. Algorithms developed to predict the effect of missense changes on protein structure and function (SIFT, PolyPhen-2, Align-GVGD) all suggest that this variant is likely to be tolerated, but these predictions have not been confirmed by published functional studies and their clinical significance is uncertain. This variant has not been reported in the literature in individuals with SLX4-related conditions. This variant is not present in population databases (ExAC no frequency). This sequence change replaces glycine with aspartic acid at codon 1339 of the SLX4 protein (p.Gly1339Asp). The glycine residue is weakly conserved and there is a moderate physicochemical difference between glycine and aspartic acid.

NM_032444.4(SLX4):c.4016G>A (p.Gly1339Asp)

Gene: SLX4 (SLX4 structure-specific endonuclease subunit; minus strand). Cytogenetic location: 16p13.3.
Variant type: single nucleotide variant.
Coding change: c.4016G>A on transcript NM_032444.4 (MANE Select); coding-DNA position 4016, G replaced by A.
Protein change: p.Gly1339Asp; replaces glycine 1339 with aspartic acid.
Molecular consequence: missense variant.
Genome position (GRCh38, 1-based): chr16:3,589,622, C>T on the plus strand (G>A on the coding strand, the complement: SLX4 is on the minus strand). VCF-style: chr16-3589622-C-T. GRCh37 (hg19) VCF-style: chr16-3639623-C-T.
Other names: short protein forms G1339D.
Identifiers: ClinVar variation 1356870 (VCV001356870.8), dbSNP rs2040554845, ClinGen allele CA394518588.